The following is an entry in ClinVar:

ClinVar aggregate classification (germline): Uncertain significance. Review status: criteria provided, multiple submitters, no conflicts (2 of 4 stars). 4 submissions from 4 submitters: Uncertain significance (4). Last evaluated 2026-10-19.

Conditions:
Inborn genetic diseases. Identifiers: MedGen C0950123, MeSH D030342.
Neuronopathy, distal hereditary motor, autosomal recessive 4. Also called: NEUROPATHY, DISTAL HEREDITARY MOTOR, AUTOSOMAL RECESSIVE 4; Autosomal recessive lower motor neuron disease with childhood onset. Identifiers: Orphanet 206580, MedGen C1970211, MONDO:0012608, OMIM 611067.
Charcot-Marie-Tooth disease recessive intermediate C. Also called: CHARCOT-MARIE-TOOTH NEUROPATHY, RECESSIVE INTERMEDIATE C. Identifiers: Orphanet 369867, MedGen C3809309, MONDO:0014154, OMIM 615376.

Allele frequency attached by ClinVar (database versions not stated): gnomAD exomes 0.00002 and 0.00001; gnomAD 0.00009; ESP Exome Variant Server 0.00008; TOPMed 0.00010.
gnomAD v4.1: 43 of 1,613,126 alleles (0.0027%); highest among the groups gnomAD compares: African/African-American, 0.023%; no homozygotes.

Submissions (4):

GeneDx
Classification: Uncertain significance. Last evaluated: 2026-10-19. Review status: criteria provided, single submitter. Criteria: GeneDx Variant Classification Process June 2021. Collection method: clinical testing. Allele origin: germline.
Comment: In silico analysis supports that this missense variant has a deleterious effect on protein structure/function; Has not been previously published as pathogenic or benign to our knowledge

Labcorp Genetics (formerly Invitae), Labcorp
Classification: Uncertain significance for Neuronopathy, distal hereditary motor, autosomal recessive 4; Charcot-Marie-Tooth disease recessive intermediate C. Last evaluated: 2024-11-06. Review status: criteria provided, single submitter. Criteria: Invitae Variant Classification Sherloc (09022015). Collection method: clinical testing. Allele origin: germline.
Comment: This sequence change replaces arginine, which is basic and polar, with tryptophan, which is neutral and slightly polar, at codon 739 of the PLEKHG5 protein (p.Arg739Trp). This variant is present in population databases (rs189468475, gnomAD 0.02%). This variant has not been reported in the literature in individuals affected with PLEKHG5-related conditions. ClinVar contains an entry for this variant (Variation ID: 639613). An algorithm developed to predict the effect of missense changes on protein structure and function (PolyPhen-2) suggests that this variant is likely to be disruptive. In summary, the available evidence is currently insufficient to determine the role of this variant in disease. Therefore, it has been classified as a Variant of Uncertain Significance.

Ambry Genetics
Classification: Uncertain significance for Inborn genetic diseases. Last evaluated: 2024-10-23. Review status: criteria provided, single submitter. Criteria: Ambry Variant Classification Scheme 2023. Collection method: clinical testing. Allele origin: germline.

Blueprint Genetics
Classification: Uncertain significance. Last evaluated: 2024-09-12. Review status: criteria provided, single submitter. Criteria: ACMG Guidelines, 2015. Collection method: clinical testing. Allele origin: germline.

NM_020631.6(PLEKHG5):c.2215C>T (p.Arg739Trp)

Gene: PLEKHG5 (pleckstrin homology and RhoGEF domain containing G5; minus strand). Cytogenetic location: 1p36.31.
Variant type: single nucleotide variant.
Coding change: c.2215C>T on transcript NM_020631.6 (MANE Select); coding-DNA position 2215, C replaced by T.
Protein change: p.Arg739Trp; replaces arginine 739 with tryptophan.
Molecular consequence: missense variant.
Genome position (GRCh38, 1-based): chr1:6,469,076, G>A on the plus strand (C>T on the coding strand, the complement: PLEKHG5 is on the minus strand). VCF-style: chr1-6469076-G-A. GRCh37 (hg19) VCF-style: chr1-6529136-G-A.
Other names: c.2326C>T, p.Arg776Trp (NM_001042663.3, NM_001265592.2); c.2215C>T, p.Arg739Trp (NM_001042664.2, NM_001042665.2, NM_001265594.3 and 1 more transcripts); c.2422C>T, p.Arg808Trp (NM_001265593.2); short protein forms R739W, R808W, R776W.
Identifiers: ClinVar variation 639613 (VCV000639613.13), dbSNP rs189468475, ClinGen allele CA17234731.